The following is an entry in ClinVar:

ClinVar aggregate classification (germline): Uncertain significance. Review status: criteria provided, multiple submitters, no conflicts (2 of 4 stars). 3 submissions from 3 submitters: Uncertain significance (3). Last evaluated 2025-05-04.

Conditions:
Inborn genetic diseases. Identifiers: MedGen C0950123, MeSH D030342.
Autosomal dominant nocturnal frontal lobe epilepsy 5. Also called: CILIARY DYSKINESIA, PRIMARY, 28, WITHOUT SITUS INVERSUS; Epilepsy, nocturnal frontal lobe, 5; KCNT1-Related Epilepsy; CILIARY DYSKINESIA, PRIMARY, 28, WITH SITUS INVERSUS. Identifiers: Orphanet 98784, MedGen C3554306, MONDO:0014002, OMIM 615005.
Developmental and epileptic encephalopathy, 14 (DEE14). Also called: Early infantile epileptic encephalopathy 14. Identifiers: Orphanet 293181, MedGen C3554195, MONDO:0013989, OMIM 614959.

Allele frequency attached by ClinVar (database versions not stated): TOPMed below 0.00001.

Submissions (3):

Ambry Genetics
Classification: Uncertain significance for Inborn genetic diseases. Last evaluated: 2025-05-04. Review status: criteria provided, single submitter. Criteria: Ambry Variant Classification Scheme 2023. Collection method: clinical testing. Allele origin: germline.

Labcorp Genetics (formerly Invitae), Labcorp
Classification: Uncertain significance for Autosomal dominant nocturnal frontal lobe epilepsy 5; Developmental and epileptic encephalopathy, 14. Last evaluated: 2024-03-23. Review status: criteria provided, single submitter. Criteria: Invitae Variant Classification Sherloc (09022015). Collection method: clinical testing. Allele origin: germline.
Comment: This sequence change replaces arginine, which is basic and polar, with serine, which is neutral and polar, at codon 418 of the KCNT1 protein (p.Arg418Ser). This variant is not present in population databases (gnomAD no frequency). This variant has not been reported in the literature in individuals affected with KCNT1-related conditions. ClinVar contains an entry for this variant (Variation ID: 1216732). Advanced modeling of protein sequence and biophysical properties (such as structural, functional, and spatial information, amino acid conservation, physicochemical variation, residue mobility, and thermodynamic stability) performed at Invitae indicates that this missense variant is not expected to disrupt KCNT1 protein function with a negative predictive value of 80%. In summary, the available evidence is currently insufficient to determine the role of this variant in disease. Therefore, it has been classified as a Variant of Uncertain Significance.

GeneDx
Classification: Uncertain significance. Last evaluated: 2022-05-17. Review status: criteria provided, single submitter. Criteria: GeneDx Variant Classification Process June 2021. Collection method: clinical testing. Allele origin: germline. Affected: yes.
Comment: Not observed in large population cohorts (gnomAD); In silico analysis, which includes protein predictors and evolutionary conservation, supports a deleterious effect; Has not been previously published as pathogenic or benign to our knowledge

NM_020822.3(KCNT1):c.1254A>C (p.Arg418Ser)

Gene: KCNT1 (potassium sodium-activated channel subfamily T member 1; plus strand). Cytogenetic location: 9q34.3.
Variant type: single nucleotide variant.
Coding change: c.1254A>C on transcript NM_020822.3 (MANE Select); coding-DNA position 1254, A replaced by C.
Protein change: p.Arg418Ser; replaces arginine 418 with serine.
Molecular consequence: missense variant.
Genome position (GRCh38, 1-based): chr9:135,765,677, A>C. VCF-style: chr9-135765677-A-C. GRCh37 (hg19) VCF-style: chr9-138657523-A-C.
Other names: c.1119A>C, p.Arg373Ser (NM_001272003.2); short protein forms R373S, R418S.
Identifiers: ClinVar variation 1216732 (VCV001216732.11), dbSNP rs1440098446, ClinGen allele CA375501371.
Genomic context (GRCh38, chr9:135,765,677, plus strand): 5'-CCGGCAGGACTATTACGTGGTCATCCTGTGCCCCACGGAGATGGATGTCCAGGTGCGCAG[A>C]GTCCTGCAGATCCCTCTGTGGTCCCAGCGGGTCATCTACCTCCAGGGCTCTGCACTCAAA-3'
Protein context (NP_065873.2, residues 408-428): CPTEMDVQVR[Arg418Ser]VLQIPLWSQR